The following is an entry in ClinVar:

ClinVar aggregate classification (germline): Pathogenic (1 of 4 stars; one submission).

Submission:

Labcorp Genetics (formerly Invitae), Labcorp
Classification: Pathogenic. Last evaluated: 2025-11-03. Review status: criteria provided, single submitter. Criteria: Invitae Variant Classification Sherloc (09022015). Collection method: clinical testing. Allele origin: germline.
Comment: This sequence change creates a premature translational stop signal (p.Asn187Thrfs*13) in the RNF168 gene. It is expected to result in an absent or disrupted protein product. Loss-of-function variants in RNF168 are known to be pathogenic (PMID: 19203578, 21394101). This variant is not present in population databases (gnomAD no frequency). This variant has not been reported in the literature in individuals affected with RNF168-related conditions. ClinVar contains an entry for this variant (Variation ID: 2726263). For these reasons, this variant has been classified as Pathogenic.

Literature cited by the submitters: PubMed 19203578; PubMed 21394101.

NM_152617.4(RNF168):c.560del (p.Asn187fs)

Gene: RNF168 (ring finger protein 168; minus strand). Cytogenetic location: 3q29.
Variant type: Deletion.
Coding change: c.560del on transcript NM_152617.4 (MANE Select); coding-DNA position 560, one base deleted (A; older notation c.560delA).
Protein change: p.Asn187fs; shifts the reading frame from asparagine 187.
Molecular consequence: frameshift variant.
Genome position (GRCh38, 1-based): chr3:196,483,890, T deleted on the plus strand (A on the coding strand, the reverse complement: RNF168 is on the minus strand); the first of 2 consecutive T bases (chr3:196,483,890-196,483,891); deleting either gives the same sequence. VCF-style (leftmost placement, unchanged base first): chr3-196483889-GT-G. GRCh37 (hg19) VCF-style: chr3-196210760-GT-G.
Other names: short protein forms N187fs.
Identifiers: ClinVar variation 2726263 (VCV002726263.3), dbSNP rs2474284589, ClinGen allele CA2697557044.